The following is an entry in ClinVar:

ClinVar aggregate classification (germline): Pathogenic (1 of 4 stars; one submission).

Conditions:
Episodic kinesigenic dyskinesia (EKD). Also called: Paroxysmal kinesigenic dyskinesia. Identifiers: Orphanet 98809, MedGen C1868682, MONDO:0044202.

Submission:

Labcorp Genetics (formerly Invitae), Labcorp
Classification: Pathogenic for Episodic kinesigenic dyskinesia. Last evaluated: 2024-02-24. Review status: criteria provided, single submitter. Criteria: Invitae Variant Classification Sherloc (09022015). Collection method: clinical testing. Allele origin: germline.
Comment: This sequence change creates a premature translational stop signal (p.Tyr290*) in the PRRT2 gene. It is expected to result in an absent or disrupted protein product. Loss-of-function variants in PRRT2 are known to be pathogenic (PMID: 22623405, 22744660). This variant is not present in population databases (gnomAD no frequency). This variant has not been reported in the literature in individuals affected with PRRT2-related conditions. ClinVar contains an entry for this variant (Variation ID: 1453871). Algorithms developed to predict the effect of sequence changes on RNA splicing suggest that this variant may disrupt the consensus splice site. For these reasons, this variant has been classified as Pathogenic.

Literature cited by the submitters: PubMed 22623405; PubMed 22744660.

NM_145239.3(PRRT2):c.870T>G (p.Tyr290Ter)

Genes: MVP-DT (MVP divergent transcript; minus strand), PRRT2 (proline rich transmembrane protein 2; plus strand). Cytogenetic location: 16p11.2.
Variant type: single nucleotide variant.
Coding change: c.870T>G on transcript NM_145239.3 (MANE Select); coding-DNA position 870, T replaced by G.
Protein change: p.Tyr290Ter; replaces tyrosine 290 with a stop codon.
Molecular consequence: nonsense.
Genome position (GRCh38, 1-based): chr16:29,813,924, T>G. VCF-style: chr16-29813924-T-G. GRCh37 (hg19) VCF-style: chr16-29825245-T-G.
Other names: c.870T>G, p.Tyr290Ter (NM_001256442.2, NM_001256443.2); short protein forms Y290*.
Identifiers: ClinVar variation 1453871 (VCV001453871.6), dbSNP rs1244255905, ClinGen allele CA395480219.